The following is an entry in ClinVar:

ClinVar aggregate classification (germline): Uncertain significance (1 of 4 stars; one submission).

Conditions:
Gastrointestinal stromal tumor. Also called: Gastrointestinal stromal tumor, somatic; Gastrointestinal stroma tumor. Identifiers: Orphanet 44890, MedGen C0238198, MeSH D046152, MONDO:0011719, OMIM 606764, HP:0100723.

Allele frequency attached by ClinVar (database versions not stated): gnomAD exomes below 0.00001; TOPMed below 0.00001; ExAC 0.00001; gnomAD 0.00001.
gnomAD v4.1: 4 of 1,614,056 alleles (0.00025%); highest among the groups gnomAD compares: Non-Finnish European, 0.00034%; no homozygotes.

Submission:

Labcorp Genetics (formerly Invitae), Labcorp
Classification: Uncertain significance for Gastrointestinal stromal tumor. Last evaluated: 2022-12-14. Review status: criteria provided, single submitter. Criteria: Invitae Variant Classification Sherloc (09022015). Collection method: clinical testing. Allele origin: germline.
Comment: In summary, the available evidence is currently insufficient to determine the role of this variant in disease. Therefore, it has been classified as a Variant of Uncertain Significance. Algorithms developed to predict the effect of missense changes on protein structure and function (SIFT, PolyPhen-2, Align-GVGD) all suggest that this variant is likely to be tolerated. This variant has not been reported in the literature in individuals affected with KIT-related conditions. This variant is present in population databases (rs764636807, gnomAD 0.0009%). This sequence change replaces valine, which is neutral and non-polar, with leucine, which is neutral and non-polar, at codon 29 of the KIT protein (p.Val29Leu).

NM_000222.3(KIT):c.85G>C (p.Val29Leu)

Gene: KIT (KIT proto-oncogene, receptor tyrosine kinase; plus strand). Cytogenetic location: 4q12.
Variant type: single nucleotide variant.
Coding change: c.85G>C on transcript NM_000222.3 (MANE Select); coding-DNA position 85, G replaced by C.
Protein change: p.Val29Leu; replaces valine 29 with leucine.
Molecular consequence: missense variant.
Genome position (GRCh38, 1-based): chr4:54,695,529, G>C. VCF-style: chr4-54695529-G-C. GRCh37 (hg19) VCF-style: chr4-55561695-G-C.
Other names: c.85G>C, p.Val29Leu (NM_001385290.1, NM_001385292.1, NM_001093772.2 and 4 more transcripts); short protein forms V29L.
Identifiers: ClinVar variation 2820882 (VCV002820882.3), dbSNP rs764636807, ClinGen allele CA2923155.
Genomic context (GRCh38, chr4:54,695,529, plus strand): 5'-AGGAAGAAGATCATACTCAACACGATTCTGTTTTTCTTGGCAGGCTCTTCTCAACCATCT[G>C]TGAGTCCAGGGGAACCGTCTCCACCATCCATCCATCCAGGAAAATCAGACTTAATAGTCC-3'
Protein context (NP_000213.1, residues 19-39): RVQTGSSQPS[Val29Leu]SPGEPSPPSI